The following is an entry in ClinVar:

NM_006248.4(PRB2):c.393T>C (p.Gly131=)

Gene: PRB2 (proline rich protein BstNI subfamily 2). Cytogenetic location: 12p13.2.
Variant type: single nucleotide variant.
Coding change: c.393T>C on transcript NM_006248.4 (MANE Select); coding-DNA position 393, T replaced by C.
Protein change: p.Gly131=; no amino-acid change (glycine 131 retained).
Molecular consequence: synonymous variant.
Genome position (GRCh38, 1-based): chr12:11,393,685, A>G on the plus strand (T>C on the coding strand, the complement: PRB2 is on the minus strand). VCF-style: chr12-11393685-A-G. GRCh37 (hg19) VCF-style: chr12-11546619-A-G.
Identifiers: ClinVar variation 2642723 (VCV002642723.24), dbSNP rs573862689, ClinGen allele CA6453697.

ClinVar aggregate classification (germline): Likely benign (1 of 4 stars; one submission).

Submission:

CeGaT Center for Human Genetics Tuebingen
Classification: Likely benign. Last evaluated: 2023-03-01. Review status: criteria provided, single submitter. Criteria: CeGaT Center For Human Genetics Tuebingen Variant Classification Criteria Version 2. Collection method: clinical testing. Allele origin: germline. Affected: yes. Observed: 1 variant allele.
Comment: PRB2: BP4, BP7